The following is an entry in ClinVar:

NM_001378454.1(ALMS1):c.10244C>A (p.Ser3415Ter)

Gene: ALMS1 (ALMS1 centrosome and basal body associated protein; plus strand). Cytogenetic location: 2p13.1.
Variant type: single nucleotide variant.
Coding change: c.10244C>A on transcript NM_001378454.1 (MANE Select); coding-DNA position 10244, C replaced by A.
Protein change: p.Ser3415Ter; replaces serine 3415 with a stop codon.
Molecular consequence: nonsense.
Genome position (GRCh38, 1-based): chr2:73,559,002, C>A. VCF-style: chr2-73559002-C-A. GRCh37 (hg19) VCF-style: chr2-73786129-C-A.
Other names: c.10247C>A, p.Ser3416Ter (NM_015120.4); short protein forms S3415*, S3416*.
Identifiers: ClinVar variation 4887573 (VCV004887573.2).

ClinVar aggregate classification (germline): Pathogenic (1 of 4 stars; one submission).

Conditions:
Alstrom syndrome (ALMS). Identifiers: Orphanet 64, MedGen C0268425, MONDO:0008763, OMIM 203800.

gnomAD v4.1: 1 of 1,613,974 alleles (0.000062%); highest among the groups gnomAD compares: Non-Finnish European, 0.000085%; no homozygotes.

Submission:

Women's Health and Genetics/Laboratory Corporation of America, LabCorp
Classification: Pathogenic for Alstrom syndrome. Last evaluated: 2026-06-02. Review status: criteria provided, single submitter. Criteria: LabCorp Variant Classification Summary - May 2015. Collection method: clinical testing. Allele origin: germline.
Comment: Variant summary: ALMS1 c.10241C>A (p.Ser3414X) results in a premature termination codon, predicted to cause a truncation of the encoded protein or absence of the protein due to nonsense mediated decay, which are commonly known mechanisms for disease. The variant was absent in 249208 control chromosomes. To our knowledge, no occurrence of c.10241C>A in individuals affected with ALMS1-related conditions and no experimental evidence demonstrating its impact on protein function have been reported. No submitters have cited clinical-significance assessments for this variant to ClinVar. Based on the evidence outlined above, the variant was classified as pathogenic.